The following is an entry in ClinVar:

NM_003036.4(SKI):c.625C>A (p.Leu209Met)

Gene: SKI (SKI proto-oncogene; plus strand). Cytogenetic location: 1p36.33.
Variant type: single nucleotide variant.
Coding change: c.625C>A on transcript NM_003036.4 (MANE Select); coding-DNA position 625, C replaced by A.
Protein change: p.Leu209Met; replaces leucine 209 with methionine.
Molecular consequence: missense variant.
Genome position (GRCh38, 1-based): chr1:2,229,391, C>A. VCF-style: chr1-2229391-C-A. GRCh37 (hg19) VCF-style: chr1-2160830-C-A.
Other names: short protein forms L209M.
Identifiers: ClinVar variation 264172 (VCV000264172.12), dbSNP rs771298442, ClinGen allele CA536426.

ClinVar aggregate classification (germline): Uncertain significance. Review status: criteria provided, multiple submitters, no conflicts (2 of 4 stars). 4 submissions from 4 submitters: Uncertain significance (4). Last evaluated 2026-01-19.

Conditions:
Familial thoracic aortic aneurysm and aortic dissection (TAAD). Also called: Thoracic aortic aneurysms and dissections. Identifiers: Orphanet 91387, MedGen C4707243, MONDO:0019625.
Shprintzen-Goldberg syndrome (SGS). Also called: CRANIOSYNOSTOSIS WITH ARACHNODACTYLY AND ABDOMINAL HERNIAS; Marfanoid disorder with craniosynostosis type 1; Marfanoid craniosynostosis syndrome; Shprintzen-Goldberg marfanoid syndrome; SHPRINTZEN-GOLDBERG CRANIOSYNOSTOSIS SYNDROME. Identifiers: Orphanet 2462, MedGen C1321551, MONDO:0008426, OMIM 182212.

Allele frequency attached by ClinVar (database versions not stated): TOPMed 0.00001; gnomAD 0.00002; gnomAD exomes 0.00003 and 0.00013; ExAC 0.00005.
gnomAD v4.1: 180 of 1,605,714 alleles (0.011%); highest among the groups gnomAD compares: Non-Finnish European, 0.015%; no homozygotes.

Submissions (4):

Labcorp Genetics (formerly Invitae), Labcorp
Classification: Uncertain significance for Shprintzen-Goldberg syndrome. Last evaluated: 2026-01-19. Review status: criteria provided, single submitter. Criteria: Invitae Variant Classification Sherloc (09022015). Collection method: clinical testing. Allele origin: germline.
Comment: This sequence change replaces leucine, which is neutral and non-polar, with methionine, which is neutral and non-polar, at codon 209 of the SKI protein (p.Leu209Met). This variant is present in population databases (rs771298442, gnomAD 0.006%). This variant has not been reported in the literature in individuals affected with SKI-related conditions. ClinVar contains an entry for this variant (Variation ID: 264172). Invitae Evidence Modeling of protein sequence and biophysical properties (such as structural, functional, and spatial information, amino acid conservation, physicochemical variation, residue mobility, and thermodynamic stability) indicates that this missense variant is not expected to disrupt SKI protein function with a negative predictive value of 95%. In summary, the available evidence is currently insufficient to determine the role of this variant in disease. Therefore, it has been classified as a Variant of Uncertain Significance.

Ambry Genetics
Classification: Uncertain significance for Familial thoracic aortic aneurysm and aortic dissection. Last evaluated: 2024-08-29. Review status: criteria provided, single submitter. Criteria: Ambry Variant Classification Scheme 2023. Collection method: clinical testing. Allele origin: germline.
Comment: The p.L209M variant (also known as c.625C>A), located in coding exon 1 of the SKI gene, results from a C to A substitution at nucleotide position 625. The leucine at codon 209 is replaced by methionine, an amino acid with highly similar properties. This amino acid position is not well conserved in available vertebrate species. In addition, the in silico prediction for this alteration is inconclusive. Based on the available evidence, the clinical significance of this variant remains unclear.

ARUP Laboratories, Molecular Genetics and Genomics, ARUP Laboratories
Classification: Uncertain significance for Shprintzen-Goldberg syndrome. Last evaluated: 2023-12-20. Review status: criteria provided, single submitter. Criteria: ARUP Molecular Germline Variant Investigation Process 2024. Collection method: clinical testing. Allele origin: germline.
Comment: The SKI c.625C>A; p.Leu209Met variant (rs771298442), to our knowledge, is not reported in the medical literature but is reported in ClinVar (Variation ID: 264172). This variant is observed in the general population with an overall allele frequency of 0.003% (7/262826 alleles) in the Genome Aggregation Database. Computational analyses are uncertain whether this variant is neutral or deleterious (REVEL: 0.285). Due to limited information, the clinical significance of this variant is uncertain at this time.

GeneDx
Classification: Uncertain significance. Last evaluated: 2022-12-05. Review status: criteria provided, single submitter. Criteria: GeneDx Variant Classification Process June 2021. Collection method: clinical testing. Allele origin: germline. Affected: yes.
Comment: Has not been previously published as pathogenic or benign to our knowledge; In silico analysis supports that this missense variant does not alter protein structure/function